The following is an entry in ClinVar:

ClinVar aggregate classification (germline): Benign. Review status: criteria provided, multiple submitters, no conflicts (2 of 4 stars). 3 submissions from 3 submitters: Benign (2). 1 of the submissions does not count toward it. Last evaluated 2026-02-01.

Conditions:
DNAH9-related disorder. Also called: DNAH9-related condition.

Allele frequency attached by ClinVar (database versions not stated): ExAC 0.00327; gnomAD 0.01097 and 0.01184; 1000 Genomes Project 0.01158; TOPMed 0.01211; ESP Exome Variant Server 0.01269; 1000 Genomes Project 30x 0.01327.
gnomAD v4.1: 3,311 of 1,613,854 alleles (0.21%); highest among the groups gnomAD compares: African/African-American, 3.9%; 76 homozygotes.

Submissions (3):

Labcorp Genetics (formerly Invitae), Labcorp
Classification: Benign. Last evaluated: 2026-02-01. Review status: criteria provided, single submitter. Criteria: Invitae Variant Classification Sherloc (09022015). Collection method: clinical testing. Allele origin: germline.

Breakthrough Genomics
Classification: Benign. Review status: criteria provided, single submitter. Criteria: ACMG Guidelines, 2015. Collection method: not provided. Allele origin: germline. Inheritance: Autosomal recessive inheritance. Affected: yes.

PreventionGenetics, part of Exact Sciences
Classification: Benign for DNAH9-related condition. Last evaluated: 2019-07-11. Review status: no assertion criteria provided. Collection method: clinical testing. Allele origin: germline. Not counted in ClinVar's aggregate classification.
Comment: This variant is classified as benign based on ACMG/AMP sequence variant interpretation guidelines (Richards et al. 2015 PMID: 25741868, with internal and published modifications).

NM_001372.4(DNAH9):c.3789C>T (p.Ile1263=)

Gene: DNAH9 (dynein axonemal heavy chain 9; plus strand). Cytogenetic location: 17p12.
Variant type: single nucleotide variant.
Coding change: c.3789C>T on transcript NM_001372.4 (MANE Select); coding-DNA position 3789, C replaced by T.
Protein change: p.Ile1263=; no amino-acid change (isoleucine 1263 retained).
Molecular consequence: synonymous variant.
Genome position (GRCh38, 1-based): chr17:11,689,611, C>T. VCF-style: chr17-11689611-C-T. GRCh37 (hg19) VCF-style: chr17-11592928-C-T.
Identifiers: ClinVar variation 786310 (VCV000786310.12), dbSNP rs35922062, ClinGen allele CA8395555.